The following is an entry in ClinVar:

ClinVar aggregate classification (germline): Uncertain significance. Review status: criteria provided, multiple submitters, no conflicts (2 of 4 stars). 2 submissions from 2 submitters: Uncertain significance (2). Last evaluated 2025-10-19.

Conditions:
DNAJC3-related disorder. Also called: DNAJC3-related condition.
Inborn genetic diseases. Identifiers: MedGen C0950123, MeSH D030342.

gnomAD v4.1: 36 of 1,613,894 alleles (0.0022%); highest among the groups gnomAD compares: Non-Finnish European, 0.0029%; no homozygotes.

Submissions (2):

PreventionGenetics, part of Exact Sciences
Classification: Uncertain significance for DNAJC3-related condition. Last evaluated: 2025-10-19. Review status: criteria provided, single submitter. Criteria: ACMG Guidelines, 2015. Collection method: clinical testing. Allele origin: germline.
Comment: The DNAJC3 c.883A>G variant is predicted to result in the amino acid substitution p.Met295Val. To our knowledge, this variant has not been reported in the literature. This variant is reported in 0.0062% of alleles in individuals of African descent in gnomAD. At this time, the clinical significance of this variant is uncertain due to the absence of conclusive functional and genetic evidence.

Ambry Genetics
Classification: Uncertain significance for Inborn genetic diseases. Last evaluated: 2025-02-22. Review status: criteria provided, single submitter. Criteria: Ambry Variant Classification Scheme 2023. Collection method: clinical testing. Allele origin: germline.

NM_006260.5(DNAJC3):c.883A>G (p.Met295Val)

Gene: DNAJC3 (DnaJ heat shock protein family (Hsp40) member C3; plus strand). Cytogenetic location: 13q32.1.
Variant type: single nucleotide variant.
Coding change: c.883A>G on transcript NM_006260.5 (MANE Select); coding-DNA position 883, A replaced by G.
Protein change: p.Met295Val; replaces methionine 295 with valine.
Molecular consequence: missense variant.
Genome position (GRCh38, 1-based): chr13:95,763,677, A>G. VCF-style: chr13-95763677-A-G. GRCh37 (hg19) VCF-style: chr13-96415931-A-G.
Other names: short protein forms M295V.
Identifiers: ClinVar variation 3841578 (VCV003841578.2).